The following is an entry in ClinVar:

ClinVar aggregate classification (germline): Uncertain significance (1 of 4 stars; one submission).

Conditions:
Anemia, nonspherocytic hemolytic, due to G6PD deficiency (CNSHA1). Also called: Hemolytic anemia due to G6PD deficiency; ANEMIA, CONGENITAL, NONSPHEROCYTIC HEMOLYTIC, 1; Class I glucose-6-phosphate dehydrogenase deficiency; Favism, susceptibility to. Identifiers: Orphanet 466026, MedGen C2720289, MONDO:0010480, OMIM 300908.

Submission:

Labcorp Genetics (formerly Invitae), Labcorp
Classification: Uncertain significance for Anemia, nonspherocytic hemolytic, due to G6PD deficiency. Last evaluated: 2025-10-21. Review status: criteria provided, single submitter. Criteria: Invitae Variant Classification Sherloc (09022015). Collection method: clinical testing. Allele origin: germline.
Comment: This sequence change replaces threonine, which is neutral and polar, with proline, which is neutral and non-polar, at codon 91 of the G6PD protein (p.Thr91Pro). This variant is not present in population databases (gnomAD no frequency). This variant has not been reported in the literature in individuals affected with G6PD-related conditions. ClinVar contains an entry for this variant (Variation ID: 3660598). Invitae Evidence Modeling of protein sequence and biophysical properties (such as structural, functional, and spatial information, amino acid conservation, physicochemical variation, residue mobility, and thermodynamic stability) has been performed for this missense variant. However, the output from this modeling did not meet the statistical confidence thresholds required to predict the impact of this variant on G6PD protein function. In summary, the available evidence is currently insufficient to determine the role of this variant in disease. Therefore, it has been classified as a Variant of Uncertain Significance.

NM_001360016.2(G6PD):c.271A>C (p.Thr91Pro)

Gene: G6PD (glucose-6-phosphate dehydrogenase; minus strand). Cytogenetic location: Xq28.
Variant type: single nucleotide variant.
Coding change: c.271A>C on transcript NM_001360016.2 (MANE Select); coding-DNA position 271, A replaced by C.
Protein change: p.Thr91Pro; replaces threonine 91 with proline.
Molecular consequence: missense variant.
Genome position (GRCh38, 1-based): chrX:154,535,382, T>G on the plus strand (A>C on the coding strand, the complement: G6PD is on the minus strand). VCF-style: chrX-154535382-T-G. GRCh37 (hg19) VCF-style: chrX-153763597-T-G.
Other names: c.361A>C, p.Thr121Pro (NM_000402.4); c.271A>C, p.Thr91Pro (NM_001042351.3); short protein forms T121P, T91P.
Identifiers: ClinVar variation 3660598 (VCV003660598.2).